The following is an entry in ClinVar:

NM_000051.4(ATM):c.3883C>G (p.Leu1295Val)

Gene: ATM (ATM serine/threonine kinase; plus strand). Cytogenetic location: 11q22.3.
Variant type: single nucleotide variant.
Coding change: c.3883C>G on transcript NM_000051.4 (MANE Select); coding-DNA position 3883, C replaced by G.
Protein change: p.Leu1295Val; replaces leucine 1295 with valine.
Molecular consequence: missense variant.
Genome position (GRCh38, 1-based): chr11:108,284,363, C>G. VCF-style: chr11-108284363-C-G. GRCh37 (hg19) VCF-style: chr11-108155090-C-G.
Other names: c.3883C>G, p.Leu1295Val (NM_001351834.2); short protein forms L1295V.
Identifiers: ClinVar variation 1347376 (VCV001347376.8), dbSNP rs1388457632, ClinGen allele CA382525449.
Genomic context (GRCh38, chr11:108,284,363, plus strand): 5'-ATTCAAGAGGACTGGAAAAGTCTTCTAACAGACTGCTTTCCAAAGATTCTTGTAAATATT[C>G]TTCCTTATTTTGCCTATGAGGGTACCAGAGACAGTGGGATGGCACAGCAAAGAGAGACTG-3'
Protein context (NP_000042.3, residues 1285-1305): DCFPKILVNI[Leu1295Val]PYFAYEGTRD

ClinVar aggregate classification (germline): Uncertain significance (1 of 4 stars; one submission).

Conditions:
Ataxia-telangiectasia syndrome (AT). Also called: Ataxia-telangiectasia, complementation group D; ATAXIA-TELANGIECTASIA, COMPLEMENTATION GROUP A; ATAXIA-TELANGIECTASIA, FRESNO VARIANT; Ataxia-telangiectasia, complementation group E; Cerebello-oculocutaneous telangiectasia; Immunodeficiency with ataxia telangiectasia. Identifiers: Orphanet 100, MedGen C0004135, MONDO:0008840, OMIM 208900.

Submission:

Labcorp Genetics (formerly Invitae), Labcorp
Classification: Uncertain significance for Ataxia-telangiectasia syndrome. Last evaluated: 2021-04-22. Review status: criteria provided, single submitter. Criteria: Invitae Variant Classification Sherloc (09022015). Collection method: clinical testing. Allele origin: germline.
Comment: In summary, the available evidence is currently insufficient to determine the role of this variant in disease. Therefore, it has been classified as a Variant of Uncertain Significance. Advanced modeling of protein sequence and biophysical properties (such as structural, functional, and spatial information, amino acid conservation, physicochemical variation, residue mobility, and thermodynamic stability) performed at Invitae indicates that this missense variant is not expected to disrupt ATM protein function. This variant has not been reported in the literature in individuals with ATM-related conditions. This variant is not present in population databases (ExAC no frequency). This sequence change replaces leucine with valine at codon 1295 of the ATM protein (p.Leu1295Val). The leucine residue is highly conserved and there is a small physicochemical difference between leucine and valine.